The following is an entry in ClinVar:

ClinVar aggregate classification (germline): Uncertain significance (1 of 4 stars; one submission).

Submission:

Labcorp Genetics (formerly Invitae), Labcorp
Classification: Uncertain significance. Last evaluated: 2024-04-02. Review status: criteria provided, single submitter. Criteria: Invitae Variant Classification Sherloc (09022015). Collection method: clinical testing. Allele origin: germline.
Comment: This sequence change replaces proline, which is neutral and non-polar, with leucine, which is neutral and non-polar, at codon 1798 of the MYO15A protein (p.Pro1798Leu). This variant is not present in population databases (gnomAD no frequency). This variant has not been reported in the literature in individuals affected with MYO15A-related conditions. Advanced modeling of protein sequence and biophysical properties (such as structural, functional, and spatial information, amino acid conservation, physicochemical variation, residue mobility, and thermodynamic stability) performed at Invitae indicates that this missense variant is expected to disrupt MYO15A protein function with a positive predictive value of 95%. In summary, the available evidence is currently insufficient to determine the role of this variant in disease. Therefore, it has been classified as a Variant of Uncertain Significance.

NM_016239.4(MYO15A):c.5393C>T (p.Pro1798Leu)

Gene: MYO15A (myosin XVA; plus strand). Cytogenetic location: 17p11.2.
Variant type: single nucleotide variant.
Coding change: c.5393C>T on transcript NM_016239.4 (MANE Select); coding-DNA position 5393, C replaced by T.
Protein change: p.Pro1798Leu; replaces proline 1798 with leucine.
Molecular consequence: missense variant.
Genome position (GRCh38, 1-based): chr17:18,140,819, C>T. VCF-style: chr17-18140819-C-T. GRCh37 (hg19) VCF-style: chr17-18044133-C-T.
Other names: short protein forms P1798L.
Identifiers: ClinVar variation 3634468 (VCV003634468.2).
Genomic context (GRCh38, chr17:18,140,819, plus strand): 5'-CATGCTGTCCTCTTCCTGCCACTGCCAGGTGCAACCCCTTGTTCATGCGTTGCCTGAAGC[C>T]CAACCACAAGAAGGTGAGTGAGAGCTGAGGCCTCTGAGAGAGCCAAATCCTCCTGCCCAT-3'
Protein context (NP_057323.3, residues 1788-1808): CNPLFMRCLK[Pro1798Leu]NHKKEPGLFE